The following is an entry in ClinVar:

ClinVar aggregate classification (germline): Likely benign (1 of 4 stars; one submission).

gnomAD v4.1: 47 of 1,556,366 alleles (0.003%); highest among the groups gnomAD compares: East Asian, 0.0045%; no homozygotes.

Submission:

CeGaT Center for Human Genetics Tuebingen
Classification: Likely benign. Last evaluated: 2025-02-01. Review status: criteria provided, single submitter. Criteria: CeGaT Center For Human Genetics Tuebingen Variant Classification Criteria Version 2. Collection method: clinical testing. Allele origin: germline. Affected: yes. Observed: 1 variant allele.
Comment: CASZ1: BP4

NM_001079843.3(CASZ1):c.2396C>T (p.Thr799Met)

Gene: CASZ1 (castor zinc finger 1; minus strand). Cytogenetic location: 1p36.22.
Variant type: single nucleotide variant.
Coding change: c.2396C>T on transcript NM_001079843.3 (MANE Select); coding-DNA position 2396, C replaced by T.
Protein change: p.Thr799Met; replaces threonine 799 with methionine.
Molecular consequence: missense variant.
Genome position (GRCh38, 1-based): chr1:10,653,661, G>A on the plus strand (C>T on the coding strand, the complement: CASZ1 is on the minus strand). VCF-style: chr1-10653661-G-A. GRCh37 (hg19) VCF-style: chr1-10713718-G-A.
Other names: c.2396C>T, p.Thr799Met (NM_017766.5); short protein forms T799M.
Identifiers: ClinVar variation 3771778 (VCV003771778.13).